The following is an entry in ClinVar:

ClinVar aggregate classification (germline): Likely benign. Review status: criteria provided, multiple submitters, no conflicts (2 of 4 stars). 4 submissions from 4 submitters: Likely benign (3). 1 of the submissions does not count toward it. Last evaluated 2025-07-20.

Conditions:
IFT172-related disorder. Also called: IFT172-related disorders; IFT172-related condition.
Bardet-Biedl syndrome 20. Identifiers: MedGen C4310707, MONDO:0023670, OMIM 619471, MONDO:0014926.
Short-rib thoracic dysplasia 10 with or without polydactyly (SRTD10). Identifiers: Orphanet 474, MedGen C3810175, MONDO:0014284, OMIM 615630.
Retinitis pigmentosa 71 (RP71). Identifiers: Orphanet 791, MedGen C4225342, MONDO:0014618, OMIM 616394.

Allele frequency attached by ClinVar (database versions not stated): gnomAD exomes below 0.00001 and 0.00003; gnomAD 0.00001 and 0.00002; TOPMed 0.00001.
gnomAD v4.1: 47 of 1,613,752 alleles (0.0029%); highest among the groups gnomAD compares: Non-Finnish European, 0.004%; no homozygotes.

Submissions (4):

Labcorp Genetics (formerly Invitae), Labcorp
Classification: Likely benign for Retinitis pigmentosa 71; Short-rib thoracic dysplasia 10 with or without polydactyly. Last evaluated: 2025-07-20. Review status: criteria provided, single submitter. Criteria: Invitae Variant Classification Sherloc (09022015). Collection method: clinical testing. Allele origin: germline.

Blueprint Genetics
Classification: Likely benign. Last evaluated: 2023-08-01. Review status: criteria provided, single submitter. Criteria: ACMG Guidelines, 2015. Collection method: clinical testing. Allele origin: germline.

Fulgent Genetics
Classification: Likely benign for Short-rib thoracic dysplasia 10 with or without polydactyly; Retinitis pigmentosa 71; Bardet-Biedl syndrome 20. Last evaluated: 2022-02-02. Review status: criteria provided, single submitter. Criteria: ACMG Guidelines, 2015. Collection method: clinical testing. Allele origin: unknown.

PreventionGenetics, part of Exact Sciences
Classification: Likely benign for IFT172-related condition. Last evaluated: 2023-06-16. Review status: no assertion criteria provided. Collection method: clinical testing. Allele origin: germline. Not counted in ClinVar's aggregate classification.
Comment: This variant is classified as likely benign based on ACMG/AMP sequence variant interpretation guidelines (Richards et al. 2015 PMID: 25741868, with internal and published modifications).

NM_015662.3(IFT172):c.4134G>A (p.Lys1378=)

Gene: IFT172 (intraflagellar transport 172; minus strand). Cytogenetic location: 2p23.3.
Variant type: single nucleotide variant.
Coding change: c.4134G>A on transcript NM_015662.3 (MANE Select); coding-DNA position 4134, G replaced by A.
Protein change: p.Lys1378=; no amino-acid change (lysine 1378 retained).
Molecular consequence: synonymous variant.
Genome position (GRCh38, 1-based): chr2:27,449,717, C>T on the plus strand (G>A on the coding strand, the complement: IFT172 is on the minus strand). VCF-style: chr2-27449717-C-T. GRCh37 (hg19) VCF-style: chr2-27672584-C-T.
Other names: c.4134G>A (NM_015662.2).
Identifiers: ClinVar variation 1559415 (VCV001559415.11), dbSNP rs1039315733, ClinGen allele CA44518973.